The following is an entry in ClinVar:

NM_014339.7(IL17RA):c.977C>T (p.Thr326Met)

Genes: IL17RA (interleukin 17 receptor A; plus strand), LOC129391259 (MPRA-validated peak4440 silencer; plus strand). Cytogenetic location: 22q11.1.
Variant type: single nucleotide variant.
Coding change: c.977C>T on transcript NM_014339.7 (MANE Select); coding-DNA position 977, C replaced by T.
Protein change: p.Thr326Met; replaces threonine 326 with methionine.
Molecular consequence: missense variant. On other transcripts: intron variant (1).
Genome position (GRCh38, 1-based): chr22:17,105,886, C>T. VCF-style: chr22-17105886-C-T. GRCh37 (hg19) VCF-style: chr22-17586776-C-T.
Other names: c.943+284C>T (NM_001289905.2); short protein forms T326M.
Identifiers: ClinVar variation 3665126 (VCV003665126.2).
Genomic context (GRCh38, chr22:17,105,886, plus strand): 5'-TCACTCACGCTGTTCTGCTCACCGCAGACTACATGCCCCTGTGGGTGTACTGGTTCATCA[C>T]GGGCATCTCCATCCTGCTGGTGGGCTCCGTCATCCTGCTCATCGTCTGCATGACCTGGAG-3'
Protein context (NP_055154.3, residues 316-336): YMPLWVYWFI[Thr326Met]GISILLVGSV

ClinVar aggregate classification (germline): Uncertain significance (1 of 4 stars; one submission).

Conditions:
Immunodeficiency 51 (IMD51). Also called: CANDIDIASIS, FAMILIAL, 5. Identifiers: Orphanet 1334, MedGen C4310803, MONDO:0013500, OMIM 613953.

gnomAD v4.1: 4 of 1,614,124 alleles (0.00025%); highest among the groups gnomAD compares: East Asian, 0.0022%; no homozygotes.

Submission:

Labcorp Genetics (formerly Invitae), Labcorp
Classification: Uncertain significance for Immunodeficiency 51. Last evaluated: 2024-04-26. Review status: criteria provided, single submitter. Criteria: Invitae Variant Classification Sherloc (09022015). Collection method: clinical testing. Allele origin: germline.
Comment: This sequence change replaces threonine, which is neutral and polar, with methionine, which is neutral and non-polar, at codon 326 of the IL17RA protein (p.Thr326Met). This variant is not present in population databases (gnomAD no frequency). This variant has not been reported in the literature in individuals affected with IL17RA-related conditions. Advanced modeling of protein sequence and biophysical properties (such as structural, functional, and spatial information, amino acid conservation, physicochemical variation, residue mobility, and thermodynamic stability) performed at Invitae indicates that this missense variant is not expected to disrupt IL17RA protein function with a negative predictive value of 80%. In summary, the available evidence is currently insufficient to determine the role of this variant in disease. Therefore, it has been classified as a Variant of Uncertain Significance.